The following is an entry in ClinVar:

ClinVar aggregate classification (germline): Pathogenic (1 of 4 stars; one submission).

Conditions:
Granulomatous disease, chronic, autosomal recessive, cytochrome b-positive, type 3. Also called: Granulomatous disease, chronic, autosomal recessive, cytochrome b-positive, type III; CGD, AUTOSOMAL RECESSIVE CYTOCHROME b-POSITIVE, TYPE III; GRANULOMATOUS DISEASE, CHRONIC, DUE TO NCF4 DEFICIENCY; GRANULOMATOUS DISEASE, CHRONIC, AUTOSOMAL RECESSIVE, 3. Identifiers: Orphanet 379, MedGen C3151409, MONDO:0013507, OMIM 613960.

gnomAD v4.1: 10 of 1,612,680 alleles (0.00062%); highest among the groups gnomAD compares: African/African-American, 0.0027%; no homozygotes.

Submission:

Labcorp Genetics (formerly Invitae), Labcorp
Classification: Pathogenic for Granulomatous disease, chronic, autosomal recessive, cytochrome b-positive, type 3. Last evaluated: 2025-12-01. Review status: criteria provided, single submitter. Criteria: Invitae Variant Classification Sherloc (09022015). Collection method: clinical testing. Allele origin: germline.
Comment: This sequence change creates a premature translational stop signal (p.Trp339*) in the NCF4 gene. It is expected to result in an absent or disrupted protein product. Loss-of-function variants in NCF4 are known to be pathogenic (PMID: 16880254, 19692703, 20167518). The frequency data for this variant in the population databases is considered unreliable, as metrics indicate poor data quality at this position in the gnomAD database. This variant has not been reported in the literature in individuals affected with NCF4-related conditions. For these reasons, this variant has been classified as Pathogenic.

Literature cited by the submitters: PubMed 16880254; PubMed 19692703; PubMed 20167518.

NM_000631.5(NCF4):c.771G>A (p.Val257=)

Gene: NCF4 (neutrophil cytosolic factor 4; plus strand). Cytogenetic location: 22q12.3.
Variant type: single nucleotide variant.
Coding change: c.771G>A on transcript NM_000631.5 (MANE Select); coding-DNA position 771, G replaced by A.
Protein change: p.Val257=; no amino-acid change (valine 257 retained).
Molecular consequence: synonymous variant. On other transcripts: nonsense (1).
Genome position (GRCh38, 1-based): chr22:36,876,041, G>A. VCF-style: chr22-36876041-G-A. GRCh37 (hg19) VCF-style: chr22-37272083-G-A.
Other names: c.1016G>A, p.Trp339Ter (NM_013416.4); short protein forms W339*.
Identifiers: ClinVar variation 4695244 (VCV004695244.1).